The following is an entry in ClinVar:

NM_001958.5(EEF1A2):c.574C>A (p.Pro192Thr)

Gene: EEF1A2 (eukaryotic translation elongation factor 1 alpha 2; minus strand). Cytogenetic location: 20q13.33.
Variant type: single nucleotide variant.
Coding change: c.574C>A on transcript NM_001958.5 (MANE Select); coding-DNA position 574, C replaced by A.
Protein change: p.Pro192Thr; replaces proline 192 with threonine.
Molecular consequence: missense variant.
Genome position (GRCh38, 1-based): chr20:63,494,852, G>T on the plus strand (C>A on the coding strand, the complement: EEF1A2 is on the minus strand). VCF-style: chr20-63494852-G-T. GRCh37 (hg19) VCF-style: chr20-62126205-G-T.
Other names: short protein forms P192T.
Identifiers: ClinVar variation 3359566 (VCV003359566.1).

ClinVar aggregate classification (germline): Uncertain significance (1 of 4 stars; one submission).

Submission:

GeneDx
Classification: Uncertain significance. Last evaluated: 2023-06-08. Review status: criteria provided, single submitter. Criteria: GeneDx Variant Classification Process June 2021. Collection method: clinical testing. Allele origin: germline. Affected: yes.
Comment: Not observed at significant frequency in large population cohorts (gnomAD); In silico analysis supports that this missense variant has a deleterious effect on protein structure/function; Has not been previously published as pathogenic or benign to our knowledge